The following is an entry in ClinVar:

NM_000138.5(FBN1):c.968C>T (p.Pro323Leu)

Gene: FBN1 (fibrillin 1; minus strand). Cytogenetic location: 15q21.1.
Variant type: single nucleotide variant.
Coding change: c.968C>T on transcript NM_000138.5 (MANE Select); coding-DNA position 968, C replaced by T.
Protein change: p.Pro323Leu; replaces proline 323 with leucine.
Molecular consequence: missense variant.
Genome position (GRCh38, 1-based): chr15:48,526,150, G>A on the plus strand (C>T on the coding strand, the complement: FBN1 is on the minus strand). VCF-style: chr15-48526150-G-A. GRCh37 (hg19) VCF-style: chr15-48818347-G-A.
Other names: short protein forms P323L.
Identifiers: ClinVar variation 919884 (VCV000919884.5), dbSNP rs1183175645, ClinGen allele CA392349653.

ClinVar aggregate classification (germline): Conflicting classifications of pathogenicity. Review status: criteria provided, conflicting classifications (1 of 4 stars). 3 submissions from 3 submitters: Uncertain significance (2); Likely benign (1). Last evaluated 2025-10-20.

Conditions:
Familial thoracic aortic aneurysm and aortic dissection (TAAD). Also called: Thoracic aortic aneurysms and dissections. Identifiers: Orphanet 91387, MedGen C4707243, MONDO:0019625.
Marfan syndrome (MFS). Also called: Marfan syndrome, classic; Marfan syndrome type 1; Marfan's syndrome; FBN1-Related Marfan Syndrome; MARFAN SYNDROME, TYPE I. Identifiers: Orphanet 284963, Orphanet 558, MedGen C0024796, MONDO:0007947, OMIM 154700.

Allele frequency attached by ClinVar (database versions not stated): gnomAD 0.00001; TOPMed below 0.00001; gnomAD exomes 0.00003.

Submissions (3):

Labcorp Genetics (formerly Invitae), Labcorp
Classification: Likely benign for Marfan syndrome; Familial thoracic aortic aneurysm and aortic dissection. Last evaluated: 2025-10-20. Review status: criteria provided, single submitter. Criteria: Invitae Variant Classification Sherloc (09022015). Collection method: clinical testing. Allele origin: germline.

All of Us Research Program, National Institutes of Health
Classification: Uncertain significance for Marfan syndrome. Last evaluated: 2023-05-04. Review status: criteria provided, single submitter. Criteria: ACMG Guidelines, 2015. Collection method: clinical testing. Allele origin: germline. Inheritance: Autosomal dominant inheritance. Observed: 1 variant allele, 1 heterozygote.
Comment: This missense variant replaces proline with leucine at codon 323 of the FBN1 protein. Computational prediction suggests that this variant may not impact protein structure and function (internally defined REVEL score threshold <= 0.5, PMID: 27666373). Splice site prediction tools suggest that this variant may not impact RNA splicing. To our knowledge, functional studies have not been performed for this variant. This variant has not been reported in individuals affected with cardiovascular disorders in the literature. This variant has been identified in 1/31398 chromosomes in the general population by the Genome Aggregation Database (gnomAD). The available evidence is insufficient to determine the role of this variant in disease conclusively. Therefore, this variant is classified as a Variant of Uncertain Significance.

This study involves interpretation of variants in research participants for the purpose of population health screening. Participant phenotype was not available at the time of variant classification. Additional details can be found in publication PMID: 35346344, PMCID: PMC8962531

Color Diagnostics, LLC DBA Color Health
Classification: Uncertain significance for Familial thoracic aortic aneurysm and aortic dissection. Last evaluated: 2020-01-27. Review status: criteria provided, single submitter. Criteria: ACMG Guidelines, 2015. Collection method: clinical testing. Allele origin: germline.
Comment: This missense variant replaces proline with leucine at codon 323 of the FBN1 protein. Computational prediction suggests that this variant may not impact protein structure and function (internally defined REVEL score threshold <= 0.5, PMID: 27666373). Splice site prediction tools suggest that this variant may not impact RNA splicing. To our knowledge, functional studies have not been performed for this variant. This variant has not been reported in individuals affected with cardiovascular disorders in the literature. This variant has been identified in 1/31398 chromosomes in the general population by the Genome Aggregation Database (gnomAD). The available evidence is insufficient to determine the role of this variant in disease conclusively. Therefore, this variant is classified as a Variant of Uncertain Significance.